The following is an entry in ClinVar:

ClinVar aggregate classification (germline): Conflicting classifications of pathogenicity. Review status: criteria provided, conflicting classifications (1 of 4 stars). 2 submissions from 2 submitters: Uncertain significance (1); Likely benign (1). Last evaluated 2025-11-17.

Conditions:
Familial thoracic aortic aneurysm and aortic dissection (TAAD). Also called: Thoracic aortic aneurysms and dissections. Identifiers: Orphanet 91387, MedGen C4707243, MONDO:0019625.
Marfan syndrome (MFS). Also called: FBN1-Related Marfan Syndrome; Marfan's syndrome; MARFAN SYNDROME, TYPE I; Marfan syndrome type 1; Marfan syndrome, classic. Identifiers: Orphanet 284963, Orphanet 558, MedGen C0024796, MONDO:0007947, OMIM 154700.

Allele frequency attached by ClinVar (database versions not stated): gnomAD 0.00001; TOPMed 0.00003; gnomAD exomes below 0.00001.
gnomAD v4.1: 4 of 1,612,866 alleles (0.00025%); highest among the groups gnomAD compares: Admixed American, 0.0033%; no homozygotes.

Submissions (2):

Labcorp Genetics (formerly Invitae), Labcorp
Classification: Likely benign for Marfan syndrome; Familial thoracic aortic aneurysm and aortic dissection. Last evaluated: 2025-11-17. Review status: criteria provided, single submitter. Criteria: Invitae Variant Classification Sherloc (09022015). Collection method: clinical testing. Allele origin: germline.

GeneDx
Classification: Uncertain significance. Last evaluated: 2021-01-04. Review status: criteria provided, single submitter. Criteria: GeneDx Variant Classification Process June 2021. Collection method: clinical testing. Allele origin: germline. Affected: yes.
Comment: Has not been previously published as pathogenic or benign to our knowledge; Does not affect a cysteine residue within a calcium-binding EGF-like domain of the FBN1 gene; cysteine substitutions in the calcium-binding EGF-like domains represent the majority of pathogenic missense changes associated with FBN1 related disorders (Collod-Beroud et al., 2003).; Not observed at a significant frequency in large population cohorts (Lek et al., 2016); In-silico analysis, which includes splice predictors and evolutionary conservation, is inconclusive as to whether the variant alters gene splicing. In the absence of RNA/functional studies, the actual effect of this sequence change is unknown.

NM_000138.5(FBN1):c.7571-7C>A

Gene: FBN1 (fibrillin 1; minus strand). Cytogenetic location: 15q21.1.
Variant type: single nucleotide variant.
Coding change: c.7571-7C>A on transcript NM_000138.5 (MANE Select); 7 bases into the intron before coding-DNA position 7571, C replaced by A.
Molecular consequence: intron variant.
Genome position (GRCh38, 1-based): chr15:48,421,693, G>T on the plus strand (C>A on the coding strand, the complement: FBN1 is on the minus strand). VCF-style: chr15-48421693-G-T. GRCh37 (hg19) VCF-style: chr15-48713890-G-T.
Identifiers: ClinVar variation 836686 (VCV000836686.11), dbSNP rs1229246967, ClinGen allele CA618009213.
Genomic context (GRCh38, chr15:48,421,693, plus strand): 5'-GGCAAATGCCCTTAGACCCGCACAGATTGATGTCAGAGGTGCATTCATTGTTATCTATGA[G>T]AAGCAGTGGGGGCAAAGAGGGGTTAAAATTCCCCAAAGCTCTCTTTGTATCATTTAAAAG-3'